The following is an entry in ClinVar:

NM_004304.5(ALK):c.1942A>G (p.Thr648Ala)

Gene: ALK (ALK receptor tyrosine kinase; minus strand). Cytogenetic location: 2p23.2.
Variant type: single nucleotide variant.
Coding change: c.1942A>G on transcript NM_004304.5 (MANE Select); coding-DNA position 1942, A replaced by G.
Protein change: p.Thr648Ala; replaces threonine 648 with alanine.
Molecular consequence: missense variant.
Genome position (GRCh38, 1-based): chr2:29,275,198, T>C on the plus strand (A>G on the coding strand, the complement: ALK is on the minus strand). VCF-style: chr2-29275198-T-C. GRCh37 (hg19) VCF-style: chr2-29498064-T-C.
Other names: c.1942A>G (NM_004304.4); short protein forms T648A.
Identifiers: ClinVar variation 2745070 (VCV002745070.4), dbSNP rs769942064, ClinGen allele CA1594477.

ClinVar aggregate classification (germline): Uncertain significance. Review status: criteria provided, multiple submitters, no conflicts (2 of 4 stars). 2 submissions from 2 submitters: Uncertain significance (2). Last evaluated 2023-10-12.

Conditions:
Neuroblastoma, susceptibility to, 3. Also called: ALK-Related Neuroblastic Tumor Susceptibility. Identifiers: Orphanet 635, MedGen C2751681, MONDO:0013083, OMIM 613014.
Hereditary cancer-predisposing syndrome. Also called: Hereditary Cancer Syndrome; Tumor predisposition; Hereditary neoplastic syndrome; Neoplastic Syndromes, Hereditary. Identifiers: Orphanet 140162, MedGen C0027672, MeSH D009386, MONDO:0015356.

Allele frequency attached by ClinVar (database versions not stated): gnomAD exomes below 0.00001; ExAC 0.00001.
gnomAD v4.1: 1 of 1,614,170 alleles (0.000062%); highest among the groups gnomAD compares: Admixed American, 0.0017%; no homozygotes.

Submissions (2):

Ambry Genetics
Classification: Uncertain significance for Hereditary cancer-predisposing syndrome. Last evaluated: 2023-10-12. Review status: criteria provided, single submitter. Criteria: Ambry Variant Classification Scheme 2023. Collection method: clinical testing. Allele origin: germline.
Comment: The p.T648A variant (also known as c.1942A>G), located in coding exon 11 of the ALK gene, results from an A to G substitution at nucleotide position 1942. The threonine at codon 648 is replaced by alanine, an amino acid with similar properties. This amino acid position is conserved. In addition, this alteration is predicted to be tolerated by in silico analysis. Since supporting evidence is limited at this time, the clinical significance of this alteration remains unclear.

Labcorp Genetics (formerly Invitae), Labcorp
Classification: Uncertain significance for Neuroblastoma, susceptibility to, 3. Last evaluated: 2023-09-12. Review status: criteria provided, single submitter. Criteria: Invitae Variant Classification Sherloc (09022015). Collection method: clinical testing. Allele origin: germline.
Comment: In summary, the available evidence is currently insufficient to determine the role of this variant in disease. Therefore, it has been classified as a Variant of Uncertain Significance. Algorithms developed to predict the effect of missense changes on protein structure and function output the following: SIFT: "Not Available"; PolyPhen-2: "Benign"; Align-GVGD: "Not Available". The alanine amino acid residue is found in multiple mammalian species, which suggests that this missense change does not adversely affect protein function. This variant has not been reported in the literature in individuals affected with ALK-related conditions. This variant is present in population databases (rs769942064, gnomAD 0.003%). This sequence change replaces threonine, which is neutral and polar, with alanine, which is neutral and non-polar, at codon 648 of the ALK protein (p.Thr648Ala).